The following is an entry in ClinVar:

ClinVar aggregate classification (germline): Pathogenic/Likely pathogenic. Review status: criteria provided, multiple submitters, no conflicts (2 of 4 stars). 3 submissions from 3 submitters: Pathogenic (1); Likely pathogenic (2). Last evaluated 2023-12-16.

Conditions:
Retinitis pigmentosa 28 (RP28). Identifiers: Orphanet 791, MedGen C1419614, MONDO:0011630, OMIM 606068.

Submissions (3):

Baylor Genetics
Classification: Likely pathogenic for Retinitis pigmentosa 28. Last evaluated: 2023-12-16. Review status: criteria provided, single submitter. Criteria: ACMG Guidelines, 2015. Collection method: clinical testing. Allele origin: unknown.

Labcorp Genetics (formerly Invitae), Labcorp
Classification: Pathogenic. Last evaluated: 2023-08-07. Review status: criteria provided, single submitter. Criteria: Invitae Variant Classification Sherloc (09022015). Collection method: clinical testing. Allele origin: germline.
Comment: This variant has not been reported in the literature in individuals affected with FAM161A-related conditions. For these reasons, this variant has been classified as Pathogenic. Algorithms developed to predict the effect of sequence changes on RNA splicing suggest that this variant may disrupt the consensus splice site. ClinVar contains an entry for this variant (Variation ID: 1068711). This variant is not present in population databases (gnomAD no frequency). This sequence change creates a premature translational stop signal (p.Gln617*) in the FAM161A gene. It is expected to result in an absent or disrupted protein product. Loss-of-function variants in FAM161A are known to be pathogenic (PMID: 20705278, 20705279, 24651477).

Revvity Omics, Revvity
Classification: Likely pathogenic for Retinitis pigmentosa 28. Last evaluated: 2021-11-18. Review status: criteria provided, single submitter. Criteria: ACMG Guidelines, 2015. Collection method: clinical testing. Allele origin: germline.

Literature cited by the submitters: PubMed 20705278 (cited by Labcorp Genetics (formerly Invitae), Labcorp); PubMed 20705279 (cited by Labcorp Genetics (formerly Invitae), Labcorp); PubMed 24651477 (cited by Labcorp Genetics (formerly Invitae), Labcorp).

NM_001201543.2(FAM161A):c.1849C>T (p.Gln617Ter)

Gene: FAM161A (FAM161 centrosomal protein A; minus strand). Cytogenetic location: 2p15.
Variant type: single nucleotide variant.
Coding change: c.1849C>T on transcript NM_001201543.2 (MANE Select); coding-DNA position 1849, C replaced by T.
Protein change: p.Gln617Ter; replaces glutamine 617 with a stop codon.
Molecular consequence: nonsense. On other transcripts: non-coding transcript variant (1).
Genome position (GRCh38, 1-based): chr2:61,836,012, G>A on the plus strand (C>T on the coding strand, the complement: FAM161A is on the minus strand). VCF-style: chr2-61836012-G-A. GRCh37 (hg19) VCF-style: chr2-62063147-G-A.
Other names: c.1849C>T (NM_001201543.1); c.1681C>T, p.Gln561Ter (NM_032180.3); short protein forms Q561*, Q617*.
Identifiers: ClinVar variation 1068711 (VCV001068711.11), dbSNP rs2105073672, ClinGen allele CA346985613.